The following is an entry in ClinVar:

NM_000166.6(GJB1):c.617T>G (p.Val206Gly)

Gene: GJB1 (gap junction protein beta 1; plus strand). Cytogenetic location: Xq13.1.
Variant type: single nucleotide variant.
Coding change: c.617T>G on transcript NM_000166.6 (MANE Select); coding-DNA position 617, T replaced by G.
Protein change: p.Val206Gly; replaces valine 206 with glycine.
Molecular consequence: missense variant.
Genome position (GRCh38, 1-based): chrX:71,224,324, T>G. VCF-style: chrX-71224324-T-G. GRCh37 (hg19) VCF-style: chrX-70444174-T-G.
Other names: c.617T>G, p.Val206Gly (NM_001097642.3); short protein forms V206G.
Identifiers: ClinVar variation 585744 (VCV000585744.5), dbSNP rs1569215431, ClinGen allele CA413503308.

ClinVar aggregate classification (germline): Uncertain significance. Review status: criteria provided, multiple submitters, no conflicts (2 of 4 stars). 3 submissions from 3 submitters: Uncertain significance (3). Last evaluated 2025-11-06.

Conditions:
Charcot-Marie-Tooth Neuropathy X. Identifiers: MedGen CN118851.
Inborn genetic diseases. Identifiers: MedGen C0950123, MeSH D030342.

Submissions (3):

Labcorp Genetics (formerly Invitae), Labcorp
Classification: Uncertain significance for Charcot-Marie-Tooth Neuropathy X. Last evaluated: 2025-11-06. Review status: criteria provided, single submitter. Criteria: Invitae Variant Classification Sherloc (09022015). Collection method: clinical testing. Allele origin: germline.
Comment: This sequence change replaces valine, which is neutral and non-polar, with glycine, which is neutral and non-polar, at codon 206 of the GJB1 protein (p.Val206Gly). This variant is not present in population databases (gnomAD no frequency). This missense change has been observed in individual(s) with clinical features of Charcot-Marie-Tooth disease (PMID: 32376792, 37284795; internal data). ClinVar contains an entry for this variant (Variation ID: 585744). Invitae Evidence Modeling of protein sequence and biophysical properties (such as structural, functional, and spatial information, amino acid conservation, physicochemical variation, residue mobility, and thermodynamic stability) has been performed for this missense variant. However, the output from this modeling did not meet the statistical confidence thresholds required to predict the impact of this variant on GJB1 protein function. This variant disrupts the p.Val206 amino acid residue in GJB1. Other variant(s) that disrupt this residue have been observed in individuals with GJB1-related conditions (PMID: 31372974; internal data), which suggests that this may be a clinically significant amino acid residue. In summary, the available evidence is currently insufficient to determine the role of this variant in disease. Therefore, it has been classified as a Variant of Uncertain Significance.

Ambry Genetics
Classification: Uncertain significance for Inborn genetic diseases. Last evaluated: 2019-09-05. Review status: criteria provided, single submitter. Criteria: Ambry Variant Classification Scheme 2023. Collection method: clinical testing. Allele origin: germline.
Comment: The p.V206G variant (also known as c.617T>G), located in coding exon 1 of the GJB1 gene, results from a T to G substitution at nucleotide position 617. The valine at codon 206 is replaced by glycine, an amino acid with dissimilar properties. This amino acid position is well conserved in available vertebrate species. In addition, this alteration is predicted to be deleterious by in silico analysis. Since supporting evidence is limited at this time, the clinical significance of this alteration remains unclear.

Athena Diagnostics
Classification: Uncertain significance. Last evaluated: 2018-02-19. Review status: criteria provided, single submitter. Criteria: Athena Diagnostics Criteria. Collection method: clinical testing. Allele origin: germline.

Literature cited by the submitters: PubMed 32376792 (cited by Labcorp Genetics (formerly Invitae), Labcorp); PubMed 37284795 (cited by Labcorp Genetics (formerly Invitae), Labcorp); PubMed 31372974 (cited by Labcorp Genetics (formerly Invitae), Labcorp).